The following is an entry in ClinVar:

ClinVar aggregate classification (germline): Uncertain significance (1 of 4 stars; one submission).

Conditions:
Inborn genetic diseases. Identifiers: MedGen C0950123, MeSH D030342.

Submission:

Ambry Genetics
Classification: Uncertain significance for Inborn genetic diseases. Last evaluated: 2020-12-19. Review status: criteria provided, single submitter. Criteria: Ambry Variant Classification Scheme 2023. Collection method: clinical testing. Allele origin: germline.
Comment: The c.4234-3T>A intronic alteration consists of a T to A substitution 3 nucleotides before coding exon 29 in the TRRAP gene. Based on insufficient or conflicting evidence, the clinical significance of this alteration remains unclear.

NM_001375524.1(TRRAP):c.4234-3T>A

Gene: TRRAP (transformation/transcription domain associated protein; plus strand). Cytogenetic location: 7q22.1.
Variant type: single nucleotide variant.
Coding change: c.4234-3T>A on transcript NM_001375524.1 (MANE Select); 3 bases into the intron before coding-DNA position 4234, T replaced by A.
Molecular consequence: intron variant.
Genome position (GRCh38, 1-based): chr7:98,937,647, T>A. VCF-style: chr7-98937647-T-A. GRCh37 (hg19) VCF-style: chr7-98535270-T-A.
Other names: c.4234-3T>A (NM_001244580.2, NM_003496.4).
Identifiers: ClinVar variation 2228579 (VCV002228579.2), dbSNP rs2484805146, ClinGen allele CA2580077964.
Genomic context (GRCh38, chr7:98,937,647, plus strand): 5'-TCTGTTCTATTATGAAGTGTCCTCAGTTGTCTATTTTTCTTTACAACTTTTCTTTTTTAA[T>A]AGTTTTTAGAAGGTGCTACCATAGAAGTCGATCAAATCCACACACATATGCGACCTTTGC-3'